The following is an entry in ClinVar:

NM_006015.6(ARID1A):c.114GGC[4] (p.Ala45del)

Gene: ARID1A (AT-rich interaction domain 1A; plus strand). Cytogenetic location: 1p36.11.
Variant type: Microsatellite.
Coding change: c.114GGC[4] on transcript NM_006015.6 (MANE Select); four copies in a row of the 3-base unit GGC starting at c.114; the reference has five copies in a row; one copy, 3 bases deleted; also written c.126_128del.
Protein change: p.Ala45del; deletes alanine 45.
Molecular consequence: inframe deletion.
Genome position (GRCh38, 1-based): chr1:26,696,529-26,696,531, GGC deleted; deleting any 3 consecutive bases within chr1:26,696,517-26,696,531 gives the same sequence; the position shown is the placement nearest the transcript's 3' end. VCF-style (leftmost placement, unchanged base first): chr1-26696516-AGGC-A. GRCh37 (hg19) VCF-style: chr1-27023007-AGGC-A.
Other names: c.126_128del (NM_006015.6); c.114GGC[4], p.Ala45del (NM_139135.4); short protein forms A45del.
Identifiers: ClinVar variation 591383 (VCV000591383.7), dbSNP rs587779737, ClinGen allele CA706573.
Genomic context (GRCh38, chr1:26,696,516, plus strand): 5'-CGCCGCCGCCCTCGGAGCTGAAGAAAGCCGAGCAGCAGCAGCGGGAGGAGGCGGGGGGCG[AGGC>A]GGCGGCGGCGGCAGCGGCCGAGCGCGGGGAAATGAAGGCAGCCGCCGGGCAGGAAAGCGA-3'

ClinVar aggregate classification (germline): Uncertain significance. Review status: criteria provided, multiple submitters, no conflicts (2 of 4 stars). 3 submissions from 3 submitters: Uncertain significance (2). 1 of the submissions does not count toward it. Last evaluated 2025-04-28.

Submissions (3):

Dasa
Classification: Uncertain significance. Last evaluated: 2025-04-28. Review status: criteria provided, single submitter. Criteria: DASA Assertion Criteria. Collection method: clinical testing. Allele origin: germline.
Comment: NM_006015.6(ARID1A):c.126_128del (p.Ala45del) is an in-frame deletion predicted to remove alanine at protein position 45 without shifting the reading frame. This variant is rare in population databases. The currently available literature and clinical evidence are not sufficient to establish a definitive association between this variant and the reported condition. Therefore, this variant is classified as a variant of uncertain significance.

Labcorp Genetics (formerly Invitae), Labcorp
Classification: Uncertain significance. Last evaluated: 2024-09-17. Review status: criteria provided, single submitter. Criteria: Invitae Variant Classification Sherloc (09022015). Collection method: clinical testing. Allele origin: germline.
Comment: This variant, c.126_128del, results in the deletion of 1 amino acid(s) of the ARID1A protein (p.Ala45del), but otherwise preserves the integrity of the reading frame. The frequency data for this variant in the population databases is considered unreliable, as metrics indicate insufficient coverage at this position in the gnomAD database. This variant has not been reported in the literature in individuals affected with ARID1A-related conditions. Experimental studies and prediction algorithms are not available or were not evaluated, and the functional significance of this variant is currently unknown. In summary, the available evidence is currently insufficient to determine the role of this variant in disease. Therefore, it has been classified as a Variant of Uncertain Significance.

Gharavi Laboratory, Columbia University
Classification: Uncertain significance. Last evaluated: 2018-09-16. Review status: no assertion criteria provided. Criteria: ACMG Guidelines, 2015. Collection method: research. Allele origin: germline. Affected: yes. Not counted in ClinVar's aggregate classification.